The following is an entry in ClinVar:

NM_016648.4(LARP7):c.673_676del (p.Lys225fs)

Genes: LARP7 (La ribonucleoprotein 7, transcriptional regulator; plus strand), MIR302CHG (miR-302/367 cluster host gene; minus strand). Cytogenetic location: 4q25.
Variant type: Deletion.
Coding change: c.673_676del on transcript NM_016648.4 (MANE Select); coding-DNA positions 673 to 676, 4 bases deleted (AAAG; older notation c.673_676delAAAG).
Protein change: p.Lys225fs; shifts the reading frame from lysine 225.
Molecular consequence: frameshift variant.
Genome position (GRCh38, 1-based): chr4:112,647,225-112,647,228, AAAG deleted; deleting any 4 consecutive bases within chr4:112,647,222-112,647,228 gives the same sequence; the c. name uses the placement nearest the transcript's 3' end. VCF-style (leftmost placement, unchanged base first): chr4-112647221-GAAGA-G. GRCh37 (hg19) VCF-style: chr4-113568377-GAAGA-G.
Other names: c.673_676del, p.Lys225fs (NM_001267039.4, NM_001370974.1, NM_001370975.1 and 2 more transcripts); c.670_673del, p.Lys224fs (NM_001370976.1, NM_001370977.1, NM_001370979.1 and 1 more transcripts); c.436_439del, p.Lys146fs (NM_001370981.1, NM_001370982.1); short protein forms K146fs, K224fs, K225fs.
Identifiers: ClinVar variation 3252951 (VCV003252951.3), dbSNP rs770122563.

ClinVar aggregate classification (germline): Pathogenic. Review status: criteria provided, multiple submitters, no conflicts (2 of 4 stars). 2 submissions from 2 submitters: Pathogenic (2). Last evaluated 2025-01-20.

Submissions (2):

Labcorp Genetics (formerly Invitae), Labcorp
Classification: Pathogenic. Last evaluated: 2025-01-20. Review status: criteria provided, single submitter. Criteria: Invitae Variant Classification Sherloc (09022015). Collection method: clinical testing. Allele origin: germline.
Comment: This sequence change creates a premature translational stop signal (p.Lys225Alafs*3) in the LARP7 gene. It is expected to result in an absent or disrupted protein product. Loss-of-function variants in LARP7 are known to be pathogenic (PMID: 22865833, 26374271, 26607181). The frequency data for this variant in the population databases is considered unreliable, as metrics indicate poor data quality at this position in the gnomAD database. This variant has not been reported in the literature in individuals affected with LARP7-related conditions. ClinVar contains an entry for this variant (Variation ID: 3252951). For these reasons, this variant has been classified as Pathogenic.

GeneDx
Classification: Pathogenic. Last evaluated: 2024-04-02. Review status: criteria provided, single submitter. Criteria: GeneDx Variant Classification Process June 2021. Collection method: clinical testing. Allele origin: germline. Affected: yes.
Comment: Frameshift variant predicted to result in protein truncation or nonsense mediated decay in a gene for which loss-of-function is a known mechanism of disease; Has not been previously published as pathogenic or benign to our knowledge

Literature cited by the submitters: PubMed 22865833 (cited by Labcorp Genetics (formerly Invitae), Labcorp); PubMed 26374271 (cited by Labcorp Genetics (formerly Invitae), Labcorp); PubMed 26607181 (cited by Labcorp Genetics (formerly Invitae), Labcorp).